The following is an entry in ClinVar:

NM_000045.4(ARG1):c.56A>T (p.Gln19Leu)

Gene: ARG1 (arginase 1; plus strand). Cytogenetic location: 6q23.2.
Variant type: single nucleotide variant.
Coding change: c.56A>T on transcript NM_000045.4 (MANE Select); coding-DNA position 56, A replaced by T.
Protein change: p.Gln19Leu; replaces glutamine 19 with leucine.
Molecular consequence: missense variant. On other transcripts: non-coding transcript variant (1).
Genome position (GRCh38, 1-based): chr6:131,573,338, A>T. VCF-style: chr6-131573338-A-T. GRCh37 (hg19) VCF-style: chr6-131894478-A-T.
Other names: c.56A>T, p.Gln19Leu (NM_001244438.2, NM_001369020.1); short protein forms Q19L.
Identifiers: ClinVar variation 1494596 (VCV001494596.5), dbSNP rs761148101, ClinGen allele CA3999121.

ClinVar aggregate classification (germline): Uncertain significance (1 of 4 stars; one submission).

Conditions:
Arginase deficiency. Also called: ARGININEMIA; ARG1 DEFICIENCY; Arginase 1 Deficiency. Identifiers: Orphanet 90, MedGen C0268548, MONDO:0008814, OMIM 207800.

Allele frequency attached by ClinVar (database versions not stated): ExAC 0.00001; gnomAD exomes 0.00001.
gnomAD v4.1: 4 of 1,613,990 alleles (0.00025%); highest among the groups gnomAD compares: Admixed American, 0.0067%; no homozygotes.

Submission:

Labcorp Genetics (formerly Invitae), Labcorp
Classification: Uncertain significance for Arginase deficiency. Last evaluated: 2022-09-22. Review status: criteria provided, single submitter. Criteria: Invitae Variant Classification Sherloc (09022015). Collection method: clinical testing. Allele origin: germline.
Comment: This sequence change replaces glutamine, which is neutral and polar, with leucine, which is neutral and non-polar, at codon 19 of the ARG1 protein (p.Gln19Leu). This variant is present in population databases (rs761148101, gnomAD 0.006%). This variant has not been reported in the literature in individuals affected with ARG1-related conditions. ClinVar contains an entry for this variant (Variation ID: 1494596). Algorithms developed to predict the effect of missense changes on protein structure and function are either unavailable or do not agree on the potential impact of this missense change (SIFT: "Deleterious"; PolyPhen-2: "Probably Damaging"; Align-GVGD: "Class C0"). In summary, the available evidence is currently insufficient to determine the role of this variant in disease. Therefore, it has been classified as a Variant of Uncertain Significance.